The following is an entry in ClinVar:

NM_001290060.2(SEMA3B):c.992+9C>G

Gene: SEMA3B (semaphorin 3B; plus strand). Cytogenetic location: 3p21.31.
Variant type: single nucleotide variant.
Coding change: c.992+9C>G on transcript NM_001290060.2 (MANE Select); 9 bases into the intron after coding-DNA position 992, C replaced by G.
Molecular consequence: intron variant.
Genome position (GRCh38, 1-based): chr3:50,273,837, C>G. VCF-style: chr3-50273837-C-G. GRCh37 (hg19) VCF-style: chr3-50311268-C-G.
Other names: c.992+9C>G (NM_004636.4, NM_001005914.3); c.1007+9C>G (NM_001290061.1); c.-35+9C>G (NM_001290062.2); c.-38+9C>G (NM_001290063.2).
Identifiers: ClinVar variation 3345262 (VCV003345262.1).

ClinVar aggregate classification (germline): Likely benign (0 of 4 stars; one submission).

Conditions:
SEMA3B-related disorder. Also called: SEMA3B-related condition.

Submission:

PreventionGenetics, part of Exact Sciences
Classification: Likely benign for SEMA3B-related condition. Last evaluated: 2024-09-17. Review status: no assertion criteria provided. Collection method: clinical testing. Allele origin: germline.
Comment: This variant is classified as likely benign based on ACMG/AMP sequence variant interpretation guidelines (Richards et al. 2015 PMID: 25741868, with internal and published modifications).